The following is an entry in ClinVar:

ClinVar aggregate classification (germline): Uncertain significance (1 of 4 stars; one submission).

Submission:

GeneDx
Classification: Uncertain significance. Last evaluated: 2026-02-12. Review status: criteria provided, single submitter. Criteria: GeneDx Variant Classification Process June 2021. Collection method: clinical testing. Allele origin: germline.
Comment: Not observed at significant frequency in large population cohorts (gnomAD); In silico analysis suggests that this missense variant does not alter protein structure/function; Has not been previously published as pathogenic or benign to our knowledge

NM_001003694.2(BRPF1):c.401G>A (p.Ser134Asn)

Gene: BRPF1 (bromodomain and PHD finger containing 1; plus strand). Cytogenetic location: 3p25.3.
Variant type: single nucleotide variant.
Coding change: c.401G>A on transcript NM_001003694.2 (MANE Select); coding-DNA position 401, G replaced by A.
Protein change: p.Ser134Asn; replaces serine 134 with asparagine.
Molecular consequence: missense variant. On other transcripts: non-coding transcript variant (1).
Genome position (GRCh38, 1-based): chr3:9,734,541, G>A. VCF-style: chr3-9734541-G-A. GRCh37 (hg19) VCF-style: chr3-9776225-G-A.
Other names: c.401G>A, p.Ser134Asn (NM_001319049.2, NM_001319050.2, NM_001410704.1 and 7 more transcripts); short protein forms S134N.
Identifiers: ClinVar variation 4976581 (VCV004976581.1).